The following is an entry in ClinVar:

ClinVar aggregate classification (germline): Uncertain significance (1 of 4 stars; one submission).

Conditions:
Nephronophthisis 16 (NPHP16). Identifiers: Orphanet 655, MedGen C3809320, MONDO:0014158, OMIM 615382.

gnomAD v4.1: 51 of 1,614,024 alleles (0.0032%); highest among the groups gnomAD compares: Non-Finnish European, 0.0042%; no homozygotes.

Submission:

Labcorp Genetics (formerly Invitae), Labcorp
Classification: Uncertain significance for Nephronophthisis 16. Last evaluated: 2025-11-18. Review status: criteria provided, single submitter. Criteria: Invitae Variant Classification Sherloc (09022015). Collection method: clinical testing. Allele origin: germline.
Comment: This sequence change replaces glycine, which is neutral and non-polar, with glutamic acid, which is acidic and polar, at codon 677 of the ANKS6 protein (p.Gly677Glu). This variant is present in population databases (rs776106251, gnomAD 0.005%). This variant has not been reported in the literature in individuals affected with ANKS6-related conditions. An algorithm developed to predict the effect of missense changes on protein structure and function (PolyPhen-2) suggests that this variant is likely to be disruptive. In summary, the available evidence is currently insufficient to determine the role of this variant in disease. Therefore, it has been classified as a Variant of Uncertain Significance.

NM_173551.5(ANKS6):c.2030G>A (p.Gly677Glu)

Gene: ANKS6 (ankyrin repeat and sterile alpha motif domain containing 6; minus strand). Cytogenetic location: 9q22.33.
Variant type: single nucleotide variant.
Coding change: c.2030G>A on transcript NM_173551.5 (MANE Select); coding-DNA position 2030, G replaced by A.
Protein change: p.Gly677Glu; replaces glycine 677 with glutamic acid.
Molecular consequence: missense variant.
Genome position (GRCh38, 1-based): chr9:98,768,193, C>T on the plus strand (G>A on the coding strand, the complement: ANKS6 is on the minus strand). VCF-style: chr9-98768193-C-T. GRCh37 (hg19) VCF-style: chr9-101530475-C-T.
Other names: short protein forms G677E.
Identifiers: ClinVar variation 4749378 (VCV004749378.1).